The following is an entry in ClinVar:

NM_133379.5(TTN):c.15837G>A (p.Val5279=)

Gene: TTN (titin; minus strand). Cytogenetic location: 2q31.2.
Variant type: single nucleotide variant.
Coding change: c.15837G>A on transcript NM_133379.5; coding-DNA position 15837, G replaced by A.
Protein change: p.Val5279=; no amino-acid change (valine 5279 retained).
Molecular consequence: synonymous variant. On other transcripts: intron variant (6).
Genome position (GRCh38, 1-based): chr2:178,746,563, C>T on the plus strand (G>A on the coding strand, the complement: TTN is on the minus strand). VCF-style: chr2-178746563-C-T. GRCh37 (hg19) VCF-style: chr2-179611290-C-T.
Other names: c.10223-4642G>A (NM_003319.4); c.10799-4642G>A (NM_133437.4); c.10598-4642G>A (NM_133432.3); c.10360+6561G>A (NM_133378.4); c.10361-4642G>A (NM_001256850.1); c.11312-4642G>A (NM_001267550.2).
Identifiers: ClinVar variation 1675829 (VCV001675829.33), dbSNP rs368255478, ClinGen allele CA2003040.

ClinVar aggregate classification (germline): Likely benign (1 of 4 stars; one submission).

Allele frequency attached by ClinVar (database versions not stated): TOPMed below 0.00001; gnomAD 0.00001; gnomAD exomes 0.00002; ExAC 0.00003; ESP Exome Variant Server 0.00008.
gnomAD v4.1: 10 of 1,613,032 alleles (0.00062%); highest among the groups gnomAD compares: East Asian, 0.0089%; no homozygotes.

Submission:

CeGaT Center for Human Genetics Tuebingen
Classification: Likely benign. Last evaluated: 2022-05-01. Review status: criteria provided, single submitter. Criteria: CeGaT Center For Human Genetics Tuebingen Variant Classification Criteria Version 2. Collection method: clinical testing. Allele origin: germline. Affected: yes. Observed: 2 variant alleles.
Comment: TTN: BP4, BP7